The following is an entry in ClinVar:

NM_003660.4(PPFIA3):c.1952G>T (p.Ser651Ile)

Gene: PPFIA3 (PPFI scaffold protein A3; plus strand). Cytogenetic location: 19q13.33.
Variant type: single nucleotide variant.
Coding change: c.1952G>T on transcript NM_003660.4 (MANE Select); coding-DNA position 1952, G replaced by T.
Protein change: p.Ser651Ile; replaces serine 651 with isoleucine.
Molecular consequence: missense variant.
Genome position (GRCh38, 1-based): chr19:49,138,303, G>T. VCF-style: chr19-49138303-G-T. GRCh37 (hg19) VCF-style: chr19-49641560-G-T.
Other names: short protein forms S651I.
Identifiers: ClinVar variation 5017944 (VCV005017944.1).

ClinVar aggregate classification (germline): Uncertain significance (1 of 4 stars; one submission).

Submission:

GeneDx
Classification: Uncertain significance. Last evaluated: 2026-03-30. Review status: criteria provided, single submitter. Criteria: GeneDx Variant Classification Process June 2021. Collection method: clinical testing. Allele origin: germline.
Comment: Not observed at significant frequency in large population cohorts (gnomAD); In silico analysis supports that this missense variant has a deleterious effect on protein structure/function; Has not been previously published as pathogenic or benign to our knowledge